The following is an entry in ClinVar:

ClinVar aggregate classification (germline): Uncertain significance (1 of 4 stars; one submission).

Submission:

Labcorp Genetics (formerly Invitae), Labcorp
Classification: Uncertain significance. Last evaluated: 2022-06-13. Review status: criteria provided, single submitter. Criteria: Invitae Variant Classification Sherloc (09022015). Collection method: clinical testing. Allele origin: germline.
Comment: In summary, the available evidence is currently insufficient to determine the role of this variant in disease. Therefore, it has been classified as a Variant of Uncertain Significance. Experimental studies and prediction algorithms are not available or were not evaluated, and the functional significance of this variant is currently unknown. This variant has not been reported in the literature in individuals affected with ZNF408-related conditions. This variant is present in population databases (no rsID available, gnomAD 0.007%). This sequence change creates a premature translational stop signal (p.His662Glnfs*13) in the ZNF408 gene. While this is not anticipated to result in nonsense mediated decay, it is expected to disrupt the last 59 amino acid(s) of the ZNF408 protein.

NM_024741.3(ZNF408):c.1986_1987del (p.His662fs)

Gene: ZNF408 (zinc finger protein 408; plus strand). Cytogenetic location: 11p11.2.
Variant type: Microsatellite.
Coding change: c.1986_1987del on transcript NM_024741.3 (MANE Select); coding-DNA positions 1986 to 1987, 2 bases deleted (CA; older notation c.1986_1987delCA).
Protein change: p.His662fs; shifts the reading frame from histidine 662.
Molecular consequence: frameshift variant.
Genome position (GRCh38, 1-based): chr11:46,705,686-46,705,687, CA deleted; deleting any 2 consecutive bases within chr11:46,705,679-46,705,687 gives the same sequence; the c. name uses the placement nearest the transcript's 3' end. VCF-style (leftmost placement, unchanged base first): chr11-46705678-GAC-G. GRCh37 (hg19) VCF-style: chr11-46727228-GAC-G.
Other names: c.1962_1963del, p.His654fs (NM_001184751.2); short protein forms H654fs, H662fs.
Identifiers: ClinVar variation 1021746 (VCV001021746.6), dbSNP rs1485634848, ClinGen allele CA599372314.
Genomic context (GRCh38, chr11:46,705,678, plus strand): 5'-GTGCCTTCTGCTGCTTCTGAGCCCACTGTGGTGCTCCTGCAGGCTGAGCCACAACTGCTG[GAC>G]ACACACAGAGAGGAGGAAGTCTCCCCCGCCAGGGATGTTGTTGAGGTCACCATTTCAGAA-3'